The following is an entry in ClinVar:

ClinVar aggregate classification (germline): Uncertain significance (1 of 4 stars; one submission).

Conditions:
Familial adenomatous polyposis 2. Also called: COLORECTAL ADENOMATOUS POLYPOSIS, AUTOSOMAL RECESSIVE; ADENOMAS, MULTIPLE COLORECTAL, AUTOSOMAL RECESSIVE; FAP type 2; MUTYH Polyposis; MYH-associated polyposis; Adenomas, multiple colorectal. Identifiers: Orphanet 220460, Orphanet 247798, MedGen C3272841, MONDO:0012041, OMIM 608456.

Submission:

Labcorp Genetics (formerly Invitae), Labcorp
Classification: Uncertain significance for Familial adenomatous polyposis 2. Last evaluated: 2024-01-03. Review status: criteria provided, single submitter. Criteria: Invitae Variant Classification Sherloc (09022015). Collection method: clinical testing. Allele origin: germline.
Comment: This sequence change replaces valine, which is neutral and non-polar, with glycine, which is neutral and non-polar, at codon 93 of the MUTYH protein (p.Val93Gly). This variant is not present in population databases (gnomAD no frequency). This variant has not been reported in the literature in individuals affected with MUTYH-related conditions. An algorithm developed to predict the effect of missense changes on protein structure and function (PolyPhen-2) suggests that this variant is likely to be disruptive. In summary, the available evidence is currently insufficient to determine the role of this variant in disease. Therefore, it has been classified as a Variant of Uncertain Significance.

NM_001048174.2(MUTYH):c.194T>G (p.Val65Gly)

Gene: MUTYH (mutY DNA glycosylase; minus strand). Cytogenetic location: 1p34.1.
Variant type: single nucleotide variant.
Coding change: c.194T>G on transcript NM_001048174.2 (MANE Select); coding-DNA position 194, T replaced by G.
Protein change: p.Val65Gly; replaces valine 65 with glycine.
Molecular consequence: missense variant. On other transcripts: 5 prime UTR variant (6), non-coding transcript variant (7).
Genome position (GRCh38, 1-based): chr1:45,333,483, A>C on the plus strand (T>G on the coding strand, the complement: MUTYH is on the minus strand). VCF-style: chr1-45333483-A-C. GRCh37 (hg19) VCF-style: chr1-45799155-A-C.
Other names: c.194T>G, p.Val65Gly (NM_001048171.2, NM_001048173.2, NM_001293195.2 and 6 more transcripts); c.197T>G, p.Val66Gly (NM_001048172.2, NM_001407071.1, NM_001407078.1 and 2 more transcripts); c.278T>G, p.Val93Gly (NM_001128425.2); c.239T>G, p.Val80Gly (NM_001293190.2); c.227T>G, p.Val76Gly (NM_001293191.2, NM_001407077.1); c.-83T>G (NM_001293192.2, NM_001293196.2, NM_001407091.1); c.-78T>G (NM_001350650.2, NM_001350651.2, NM_001407082.1); c.269T>G, p.Val90Gly (NM_001407069.1, NM_012222.3); and 3 more; short protein forms V65G, V66G, V72G, V93G, V37G, V76G, V90G, V79G.
Identifiers: ClinVar variation 2707213 (VCV002707213.3), dbSNP rs2524272111, ClinGen allele CA340136464.